The following is an entry in ClinVar:

NM_005359.6(SMAD4):c.1300T>A (p.Tyr434Asn)

Gene: SMAD4 (SMAD family member 4; plus strand). Cytogenetic location: 18q21.2.
Variant type: single nucleotide variant.
Coding change: c.1300T>A on transcript NM_005359.6 (MANE Select); coding-DNA position 1300, T replaced by A.
Protein change: p.Tyr434Asn; replaces tyrosine 434 with asparagine.
Molecular consequence: missense variant. On other transcripts: non-coding transcript variant (1).
Genome position (GRCh38, 1-based): chr18:51,067,179, T>A. VCF-style: chr18-51067179-T-A. GRCh37 (hg19) VCF-style: chr18-48593549-T-A.
Other names: c.1300T>A, p.Tyr434Asn (NM_001407041.1, NM_001407042.1); short protein forms Y434N.
Identifiers: ClinVar variation 2725022 (VCV002725022.4), dbSNP rs2144452885, ClinGen allele CA402465064.

ClinVar aggregate classification (germline): Uncertain significance. Review status: criteria provided, multiple submitters, no conflicts (2 of 4 stars). 2 submissions from 2 submitters: Uncertain significance (2). Last evaluated 2025-10-09.

Conditions:
Familial thoracic aortic aneurysm and aortic dissection (TAAD). Also called: Thoracic aortic aneurysms and dissections. Identifiers: Orphanet 91387, MedGen C4707243, MONDO:0019625.
Hereditary cancer-predisposing syndrome. Also called: Hereditary neoplastic syndrome; Neoplastic Syndromes, Hereditary; Hereditary Cancer Syndrome; Tumor predisposition. Identifiers: Orphanet 140162, MedGen C0027672, MeSH D009386, MONDO:0015356.
Juvenile polyposis syndrome (JPS). Identifiers: Orphanet 2929, MedGen C0345893, MONDO:0017380, OMIM 174900.

Submissions (2):

Ambry Genetics
Classification: Uncertain significance for Hereditary cancer-predisposing syndrome; Familial thoracic aortic aneurysm and aortic dissection. Last evaluated: 2025-10-09. Review status: criteria provided, single submitter. Criteria: Ambry Variant Classification Scheme 2023. Collection method: clinical testing. Allele origin: germline.
Comment: The p.Y434N variant (also known as c.1300T>A), located in coding exon 9 of the SMAD4 gene, results from a T to A substitution at nucleotide position 1300. The tyrosine at codon 434 is replaced by asparagine, an amino acid with dissimilar properties. This amino acid position is conserved. In addition, this alteration is predicted to be deleterious by in silico analysis. Based on the available evidence, the clinical significance of this variant remains unclear.

Labcorp Genetics (formerly Invitae), Labcorp
Classification: Uncertain significance for Juvenile polyposis syndrome. Last evaluated: 2023-06-23. Review status: criteria provided, single submitter. Criteria: Invitae Variant Classification Sherloc (09022015). Collection method: clinical testing. Allele origin: germline.
Comment: This variant is not present in population databases (gnomAD no frequency). This variant has not been reported in the literature in individuals affected with SMAD4-related conditions. Advanced modeling of protein sequence and biophysical properties (such as structural, functional, and spatial information, amino acid conservation, physicochemical variation, residue mobility, and thermodynamic stability) has been performed at Invitae for this missense variant, however the output from this modeling did not meet the statistical confidence thresholds required to predict the impact of this variant on SMAD4 protein function. In summary, the available evidence is currently insufficient to determine the role of this variant in disease. Therefore, it has been classified as a Variant of Uncertain Significance. This sequence change replaces tyrosine, which is neutral and polar, with asparagine, which is neutral and polar, at codon 434 of the SMAD4 protein (p.Tyr434Asn).